The following is an entry in ClinVar:

ClinVar aggregate classification (germline): Conflicting classifications of pathogenicity. Review status: criteria provided, conflicting classifications (1 of 4 stars). 2 submissions from 2 submitters: Pathogenic (1); Uncertain significance (1). Last evaluated 2026-01-11.

Conditions:
Very long chain acyl-CoA dehydrogenase deficiency (ACADVLD). Also called: VLCAD Deficiency; Very Long-Chain Acyl-Coenzyme A Dehydrogenase Deficiency. Identifiers: Orphanet 26793, MedGen C3887523, MONDO:0008723, OMIM 201475.

Submissions (2):

Labcorp Genetics (formerly Invitae), Labcorp
Classification: Pathogenic for Very long chain acyl-CoA dehydrogenase deficiency. Last evaluated: 2026-01-11. Review status: criteria provided, single submitter. Criteria: Invitae Variant Classification Sherloc (09022015). Collection method: clinical testing. Allele origin: germline.
Comment: This sequence change replaces alanine, which is neutral and non-polar, with valine, which is neutral and non-polar, at codon 212 of the ACADVL protein (p.Ala212Val). This variant is not present in population databases (gnomAD no frequency). This missense change has been observed in individual(s) with ACADVL-related conditions (internal data). In at least one individual the data is consistent with being in trans (on the opposite chromosome) from a pathogenic variant. ClinVar contains an entry for this variant (Variation ID: 1055357). Invitae Evidence Modeling of protein sequence and biophysical properties (such as structural, functional, and spatial information, amino acid conservation, physicochemical variation, residue mobility, and thermodynamic stability) indicates that this missense variant is expected to disrupt ACADVL protein function with a positive predictive value of 80%. For these reasons, this variant has been classified as Pathogenic.

Women's Health and Genetics/Laboratory Corporation of America, LabCorp
Classification: Uncertain significance. Last evaluated: 2025-07-31. Review status: criteria provided, single submitter. Criteria: LabCorp Variant Classification Summary - May 2015. Collection method: clinical testing. Allele origin: germline.
Comment: Variant summary: ACADVL c.635C>T (p.Ala212Val) results in a non-conservative amino acid change in the encoded protein sequence. Algorithms developed to predict the effect of missense changes on protein structure and function all suggest that this variant is likely to be disruptive. The variant was absent in 251296 control chromosomes. The available data on variant occurrences in the general population are insufficient to allow any conclusion about variant significance. c.635C>T has been observed in individual(s) affected with Very Long Chain Acyl-CoA Dehydrogenase Deficiency. These data do not allow any conclusion about variant significance. To our knowledge, no experimental evidence demonstrating an impact on protein function has been reported. Additionally, at least one variant at the Ala212 residue has been reported as Likely Pathogenic in ClinVar (p.Ala212Asp), suggesting that this codon is functionally important. ClinVar contains an entry for this variant (Variation ID: 1055357). Based on the evidence outlined above, the variant was classified as VUS-possibly pathogenic.

NM_000018.4(ACADVL):c.635C>T (p.Ala212Val)

Gene: ACADVL (acyl-CoA dehydrogenase very long chain; plus strand). Cytogenetic location: 17p13.1.
Variant type: single nucleotide variant.
Coding change: c.635C>T on transcript NM_000018.4 (MANE Select); coding-DNA position 635, C replaced by T.
Protein change: p.Ala212Val; replaces alanine 212 with valine.
Molecular consequence: missense variant.
Genome position (GRCh38, 1-based): chr17:7,221,964, C>T. VCF-style: chr17-7221964-C-T. GRCh37 (hg19) VCF-style: chr17-7125283-C-T.
Other names: c.569C>T, p.Ala190Val (NM_001033859.3); c.704C>T, p.Ala235Val (NM_001270447.2); c.407C>T, p.Ala136Val (NM_001270448.2); short protein forms A136V, A190V, A212V, A235V.
Identifiers: ClinVar variation 1055357 (VCV001055357.10), dbSNP rs2142976575, ClinGen allele CA397723362.
Genomic context (GRCh38, chr17:7,221,964, plus strand): 5'-CTTTGAAGCTCATCAGAACTTGGGGTAAAGTAGCTCTCTCCCCAACAGGGGAGACTGTGG[C>T]CGCTTTCTGTCTAACCGAGCCCTCAAGCGGGTCAGATGCAGCCTCCATCCGAACCTCTGC-3'
Protein context (NP_000009.1, residues 202-222): LPKLASGETV[Ala212Val]AFCLTEPSSG